The following is an entry in ClinVar:

NM_000051.4(ATM):c.497-9_497-4del

Gene: ATM (ATM serine/threonine kinase; plus strand). Cytogenetic location: 11q22.3.
Variant type: Deletion.
Coding change: c.497-9_497-4del on transcript NM_000051.4 (MANE Select); 9 bases into the intron before coding-DNA position 497 through 4 bases into the intron before coding-DNA position 497, 6 bases deleted (TTTTTT; older notation c.497-9_497-4delTTTTTT).
Molecular consequence: intron variant.
Genome position (GRCh38, 1-based): chr11:108,243,944-108,243,949, TTTTTT deleted; deleting any 6 consecutive bases within chr11:108,243,935-108,243,949 gives the same sequence; the c. name uses the placement nearest the transcript's 3' end. VCF-style (leftmost placement, unchanged base first): chr11-108243934-ATTTTTT-A. GRCh37 (hg19) VCF-style: chr11-108114661-ATTTTTT-A.
Other names: c.497-9_497-4del (NM_001351834.2).
Identifiers: ClinVar variation 3221604 (VCV003221604.1), dbSNP rs768748099, ClinGen allele CA1998763316.

ClinVar aggregate classification (germline): Uncertain significance (1 of 4 stars; one submission).

Conditions:
Hereditary cancer-predisposing syndrome. Also called: Tumor predisposition; Hereditary neoplastic syndrome; Hereditary Cancer Syndrome; Neoplastic Syndromes, Hereditary. Identifiers: Orphanet 140162, MedGen C0027672, MeSH D009386, MONDO:0015356.

Submission:

Ambry Genetics
Classification: Uncertain significance for Hereditary cancer-predisposing syndrome. Last evaluated: 2024-03-01. Review status: criteria provided, single submitter. Criteria: Ambry Variant Classification Scheme 2023. Collection method: clinical testing. Allele origin: germline.
Comment: The c.497-9_497-4delTTTTTT intronic variant, located in intron 4 of the ATM gene, results from a deletion of 6 nucleotides within intron 4 of the ATM gene. This nucleotide region is not well conserved in available vertebrate species. In silico splice site analysis predicts that this alteration will weaken the native splice acceptor site. Based on the available evidence, the clinical significance of this alteration remains unclear.